The following is an entry in ClinVar:

ClinVar aggregate classification (germline): Uncertain significance (1 of 4 stars; one submission).

Allele frequency attached by ClinVar (database versions not stated): gnomAD exomes below 0.00001 and 0.00001; ExAC 0.00001; gnomAD 0.00005.

Submission:

GeneDx
Classification: Uncertain significance. Last evaluated: 2017-01-31. Review status: criteria provided, single submitter. Criteria: GeneDx Variant Classification (06012015). Collection method: clinical testing. Allele origin: germline. Affected: yes.
Comment: A variant of uncertain significance has been identified in the CDKL5 gene. The R340K variant has not been published as a pathogenic variant, nor has it been reported as a benign variant to our knowledge. The R340K variant is not observed at a significant frequency in large population cohorts (Lek et al., 2016; 1000 Genomes Consortium et al., 2015; Exome Variant Server). This substitution occurs at a position that is conserved in mammals. However, the R340K variant is a conservative amino acid substitution, which is not likely to impact secondary protein structure as these residues share similar properties. In silico analysis is inconsistent in its predictions as to whether or not the variant is damaging to the protein structure/function. Therefore, based on the currently available information, it is unclear whether this variant is a pathogenic variant or a rare benign variant.

NM_001323289.2(CDKL5):c.1019G>A (p.Arg340Lys)

Gene: CDKL5 (cyclin dependent kinase like 5; plus strand). Cytogenetic location: Xp22.13.
Variant type: single nucleotide variant.
Coding change: c.1019G>A on transcript NM_001323289.2 (MANE Select); coding-DNA position 1019, G replaced by A.
Protein change: p.Arg340Lys; replaces arginine 340 with lysine.
Molecular consequence: missense variant.
Genome position (GRCh38, 1-based): chrX:18,603,943, G>A. VCF-style: chrX-18603943-G-A. GRCh37 (hg19) VCF-style: chrX-18622063-G-A.
Other names: c.1019G>A, p.Arg340Lys (NM_001037343.2, NM_003159.3); short protein forms R340K.
Identifiers: ClinVar variation 393255 (VCV000393255.2), dbSNP rs780119476, ClinGen allele CA10360338.